The following is an entry in ClinVar:

NM_000158.4(GBE1):c.1006A>T (p.Arg336Ter)

Gene: GBE1 (1,4-alpha-glucan branching enzyme 1; minus strand). Cytogenetic location: 3p12.2.
Variant type: single nucleotide variant.
Coding change: c.1006A>T on transcript NM_000158.4 (MANE Select); coding-DNA position 1006, A replaced by T.
Protein change: p.Arg336Ter; replaces arginine 336 with a stop codon.
Molecular consequence: nonsense.
Genome position (GRCh38, 1-based): chr3:81,594,010, T>A on the plus strand (A>T on the coding strand, the complement: GBE1 is on the minus strand). VCF-style: chr3-81594010-T-A. GRCh37 (hg19) VCF-style: chr3-81643161-T-A.
Other names: short protein forms R336*.
Identifiers: ClinVar variation 4068475 (VCV004068475.2).

ClinVar aggregate classification (germline): Likely pathogenic (1 of 4 stars; one submission).

Conditions:
Glycogen storage disease, type IV (GSD4). Also called: AMYLOPECTINOSIS; ANDERSEN DISEASE; BRANCHER DEFICIENCY; CIRRHOSIS, FAMILIAL, WITH DEPOSITION OF ABNORMAL GLYCOGEN; GBE1 DEFICIENCY; GLYCOGEN BRANCHING ENZYME DEFICIENCY. Identifiers: Orphanet 367, MedGen C0017923, MONDO:0009292, OMIM 232500.

gnomAD v4.1: 4 of 1,522,674 alleles (0.00026%); highest among the groups gnomAD compares: Non-Finnish European, 0.00036%; no homozygotes.

Submission:

Natera, Inc.
Classification: Likely pathogenic for Glycogen storage disease type IV. Last evaluated: 2025-05-16. Review status: criteria provided, single submitter. Criteria: Natera Variant Classification Schema (03/2026). Collection method: clinical testing. Allele origin: germline.
Comment: The c.1006A>T variant in GBE1 is a nonsense variant predicted to introduce a stop codon at amino acid 336. This variant is expected to result in nonsense mediated decay, truncation, or a dysfunctional protein product. This variant is rare in the general population with a frequency below the threshold expected for the associated phenotype(s). Given the available evidence, this variant is classified as Likely Pathogenic.